The following is an entry in ClinVar:

ClinVar aggregate classification (germline): Benign/Likely benign. Review status: criteria provided, multiple submitters, no conflicts (2 of 4 stars). 2 submissions from 2 submitters: Benign (1); Likely benign (1). Last evaluated 2024-06-12.

Conditions:
Familial cancer of breast. Also called: Hereditary breast cancer; BREAST CANCER, FAMILIAL; hereditary breast carcinoma. Identifiers: Orphanet 227535, MedGen C0346153, MONDO:0016419, OMIM 114480. Disease mechanism: loss of function.
Hereditary cancer-predisposing syndrome. Also called: Tumor predisposition; Hereditary Cancer Syndrome; Hereditary neoplastic syndrome; Neoplastic Syndromes, Hereditary. Identifiers: Orphanet 140162, MedGen C0027672, MeSH D009386, MONDO:0015356.

Allele frequency attached by ClinVar (database versions not stated): gnomAD exomes below 0.00001.
gnomAD v4.1: 1 of 1,614,174 alleles (0.000062%); highest among the groups gnomAD compares: Non-Finnish European, 0.000085%; no homozygotes.

Submissions (2):

Myriad Genetics, Inc.
Classification: Benign for Familial cancer of breast. Last evaluated: 2024-06-12. Review status: criteria provided, single submitter. Criteria: Myriad Autosomal Dominant, Autosomal Recessive and X-Linked Classification Criteria (2023). Collection method: clinical testing. Allele origin: unknown.
Comment: This variant is considered benign. This variant is a silent/synonymous amino acid change and it is not expected to impact splicing.

Ambry Genetics
Classification: Likely benign for Hereditary cancer-predisposing syndrome. Last evaluated: 2022-11-17. Review status: criteria provided, single submitter. Criteria: Ambry Variant Classification Scheme 2023. Collection method: clinical testing. Allele origin: germline.

NM_000051.4(ATM):c.6849A>G (p.Ser2283=)

Genes: ATM (ATM serine/threonine kinase; plus strand), C11orf65 (chromosome 11 open reading frame 65; minus strand). Cytogenetic location: 11q22.3.
Variant type: single nucleotide variant.
Coding change: c.6849A>G on transcript NM_000051.4 (MANE Select); coding-DNA position 6849, A replaced by G.
Protein change: p.Ser2283=; no amino-acid change (serine 2283 retained).
Molecular consequence: synonymous variant. On other transcripts: intron variant (2).
Genome position (GRCh38, 1-based): chr11:108,326,099, A>G. VCF-style: chr11-108326099-A-G. GRCh37 (hg19) VCF-style: chr11-108196826-A-G.
Other names: c.6849A>G, p.Ser2283= (NM_001351834.2); c.641-17028T>C (NM_001330368.2); c.*38+9121T>C (NM_001351110.2).
Identifiers: ClinVar variation 2453928 (VCV002453928.3), dbSNP rs2136333272, ClinGen allele CA476676299.